The following is an entry in ClinVar:

ClinVar aggregate classification (germline): Likely pathogenic. Review status: reviewed by expert panel (3 of 4 stars). 2 submissions from 2 submitters: Likely pathogenic (1). 1 of the submissions does not count toward it. Last evaluated 2026-06-23.

Conditions:
Severe myoclonic epilepsy in infancy (DRVT). Also called: Dravet syndrome; DEVELOPMENTAL AND EPILEPTIC ENCEPHALOPATHY 6A; Epileptic encephalopathy, early infantile, 6 (Dravet syndrome); Severe Myoclonic Epilepsy in Infancy (SMEI); SEVERE MYOCLONIC EPILEPSY OF INFANCY. Identifiers: Orphanet 33069, MedGen C0751122, MONDO:0100135, OMIM 607208.

Submissions (2):

ClinGen Epilepsy Sodium Channel Variant Curation Expert Panel, Clingen
Classification: Likely pathogenic for Severe myoclonic epilepsy in infancy. Last evaluated: 2026-06-23. Review status: reviewed by expert panel. Criteria: ClinGen EpilepsySCN ACMG Specifications SCN1A V2.0.0. Collection method: curation. Allele origin: germline. Inheritance: Autosomal dominant inheritance.
Comment: The c.2722G>C variant in SCN1A is a missense variant predicted to cause substitution of Glycine by Arginine at amino acid 908 (p.Gly908Arg). This variant has been reported in another individual meeting developmental and epileptic encephalopathy (PS4_Supporting; PMID 38059254). This variant is absent from gnomAD v4 (PM2_Supporting). The computational predictor REVEL gives a score of 0.990, which is above the threshold of 0.644, evidence that correlates with impact to SCN1A function (PP3_Moderate). This variant resides within a Pathogenic Enriched Region, amino acids 904-912, of SCN1A that is defined as a mutational hotspot and/or critical functional domain by the ClinGen Epilepsy Sodium Channel VCEP (PM1). Another missense variant c.2722G>A (p.Gly908Ser) in the same codon of SCN1A has been reported (ClinVar Variation ID 1695472). However, this variant has not yet met the criteria to be classified as pathogenic or likely pathogenic by the ClinGen Epilepsy Sodium Channel VCEP (PM5 not met). In addition, 3 different missense variants in the same codon of paralogous genes have been reported: SCN2A:c.2696G>A (p.Gly899Asp), SCN2A:c.2695G>A (p.Gly899Ser), SCN3A:c.2698G>A (p.Gly900Ser)(ClinVar Variation IDs: 206975, 206974, 661395). However, only one of these variants have met the criteria to be classified as pathogenic or likely pathogenic by the ClinGen Epilepsy Sodium Channel VCEP (PM5 not met). In summary, this variant meets the criteria to be classified as likely pathogenic for autosomal dominant Dravet syndrome based on the ACMG/AMP criteria applied, as specified by the ClinGen Epilepsy Sodium Channel VCEP: PP3_Moderate, PM1, PM6, PM2_Supporting, PS4_Supporting (VCEP specifications v2.0.0; July 22, 2026)

GeneDx
Classification: Likely pathogenic. Last evaluated: 2016-12-01. Review status: criteria provided, single submitter. Criteria: GeneDx Variant Classification (06012015). Collection method: clinical testing. Allele origin: germline. Affected: yes. Not counted in ClinVar's aggregate classification.
Comment: p.Gly908Arg (GGC>CGC): c.2722 G>C in exon 15 of the SCN1A gene (NM_001165963.1) The Gly908Arg missense change in the SCN1A gene has not been published as a mutation, nor has it been reported as a benign polymorphism to our knowledge. It was not observed in approximately 6,500 individuals of European and African American ancestry in the NHLBI Exome Sequencing Project, indicating it is not a common benign variant in these populations. This variant is a non-conservative amino acid substitution of an uncharged, non-polar Glycine residue with a positively charged Arginine residue. It alters a highly conserved position in the S5 subunit of the second transmembrane domain, and other missense mutations associated with epilepsy (I899T and F902C) have been reported in this region of the protein. Additionally, in silico analysis predicts this variant is probably damaging to the protein structure/function. Therefore, based on the currently available information, Gly908Arg is a strong candidate for a disease-causing mutation, although the possibility that it is a benign variant cannot be excluded. The variant is found in INFANT-EPI panel(s).

NM_001165963.4(SCN1A):c.2722G>C (p.Gly908Arg)

Gene: SCN1A (sodium voltage-gated channel alpha subunit 1; minus strand). Cytogenetic location: 2q24.3.
Variant type: single nucleotide variant.
Coding change: c.2722G>C on transcript NM_001165963.4 (MANE Select); coding-DNA position 2722, G replaced by C.
Protein change: p.Gly908Arg; replaces glycine 908 with arginine.
Molecular consequence: missense variant. On other transcripts: non-coding transcript variant (1).
Genome position (GRCh38, 1-based): chr2:166,038,000, C>G on the plus strand (G>C on the coding strand, the complement: SCN1A is on the minus strand). VCF-style: chr2-166038000-C-G. GRCh37 (hg19) VCF-style: chr2-166894510-C-G.
Other names: p.G908R:GGC>CGC; NM_001165963.4(SCN1A):c.2722G>C; p.Gly908Arg; c.2638G>C, p.Gly880Arg (NM_001165964.3, NM_001353957.2, NM_001353958.2); c.2722G>C, p.Gly908Arg (NM_001202435.3, NM_001353948.2); c.2689G>C, p.Gly897Arg (NM_001353949.2, NM_001353950.2, NM_001353951.2 and 2 more transcripts); c.2686G>C, p.Gly896Arg (NM_001353954.2, NM_001353955.2); c.2635G>C, p.Gly879Arg (NM_001353960.2); and 1 more; short protein forms G897R, G908R, G879R, G880R, G896R, G94R.
Identifiers: ClinVar variation 206786 (VCV000206786.3), dbSNP rs796052984, ClinGen allele CA317307.
Genomic context (GRCh38, chr2:166,038,000, plus strand): 5'-GACAATCACTGGCGATCTTGCAGACACAATCTTTGTAGCTTTTACCAAAGAGCTGCATGC[C>G]GACCACGGCAAAAATGAAGACGATGATGGCCAAGACGAGGGTTAAATTTCCCAGAGCCCC-3'
Protein context (NP_001159435.1, residues 898-918): AIIVFIFAVV[Gly908Arg]MQLFGKSYKD